The following is an entry in ClinVar:

NM_018433.6(KDM3A):c.2490G>C (p.Gly830=)

Gene: KDM3A (lysine demethylase 3A; plus strand). Cytogenetic location: 2p11.2.
Variant type: single nucleotide variant.
Coding change: c.2490G>C on transcript NM_018433.6 (MANE Select); coding-DNA position 2490, G replaced by C.
Protein change: p.Gly830=; no amino-acid change (glycine 830 retained).
Molecular consequence: synonymous variant.
Genome position (GRCh38, 1-based): chr2:86,480,340, G>C. VCF-style: chr2-86480340-G-C. GRCh37 (hg19) VCF-style: chr2-86707463-G-C.
Other names: c.2490G>C, p.Gly830= (NM_001146688.2).
Identifiers: ClinVar variation 2651102 (VCV002651102.24), dbSNP rs143689515, ClinGen allele CA1749697.

ClinVar aggregate classification (germline): Likely benign (1 of 4 stars; one submission).

Allele frequency attached by ClinVar (database versions not stated): ExAC 0.00045; gnomAD 0.00107; TOPMed 0.00116; 1000 Genomes Project 30x 0.00125; 1000 Genomes Project 0.00140; ESP Exome Variant Server 0.00146.
gnomAD v4.1: 346 of 1,612,874 alleles (0.021%); highest among the groups gnomAD compares: African/African-American, 0.42%; 3 homozygotes.

Submission:

CeGaT Center for Human Genetics Tuebingen
Classification: Likely benign. Last evaluated: 2022-08-01. Review status: criteria provided, single submitter. Criteria: CeGaT Center For Human Genetics Tuebingen Variant Classification Criteria Version 2. Collection method: clinical testing. Allele origin: germline. Affected: yes. Observed: 1 variant allele.
Comment: KDM3A: BP4, BP7